The following is an entry in ClinVar:

NM_001018005.2(TPM1):c.603G>C (p.Thr201=)

Gene: TPM1 (tropomyosin 1; plus strand). Cytogenetic location: 15q22.2.
Variant type: single nucleotide variant.
Coding change: c.603G>C on transcript NM_001018005.2 (MANE Select); coding-DNA position 603, G replaced by C.
Protein change: p.Thr201=; no amino-acid change (threonine 201 retained).
Molecular consequence: synonymous variant. On other transcripts: intron variant (6).
Genome position (GRCh38, 1-based): chr15:63,061,752, G>C. VCF-style: chr15-63061752-G-C. GRCh37 (hg19) VCF-style: chr15-63353951-G-C.
Other names: c.603G>C, p.Thr201= (NM_001018004.2, NM_001018007.2, NM_001301244.2 and 3 more transcripts); c.495G>C, p.Thr165= (NM_001018008.2, NM_001301289.2, NM_001330346.2 and 2 more transcripts); c.729G>C, p.Thr243= (NM_001365778.1); c.640-463G>C (NM_001018020.2, NM_001018006.2, NM_000366.6); c.532-463G>C (NM_001330351.2, NM_001330344.2, NM_001365781.2).
Identifiers: ClinVar variation 43678 (VCV000043678.9), dbSNP rs397516485, ClinGen allele CA018234.

ClinVar aggregate classification (germline): Likely benign. Review status: criteria provided, multiple submitters, no conflicts (2 of 4 stars). 3 submissions from 3 submitters: Likely benign (3). Last evaluated 2026-01-27.

Conditions:
Hypertrophic cardiomyopathy. Also called: HYPERTROPHIC MYOCARDIOPATHY. Identifiers: Orphanet 217569, MedGen C0007194, MeSH D002312, MONDO:0005045, HP:0001639.

Submissions (3):

Labcorp Genetics (formerly Invitae), Labcorp
Classification: Likely benign for Hypertrophic cardiomyopathy. Last evaluated: 2026-01-27. Review status: criteria provided, single submitter. Criteria: Invitae Variant Classification Sherloc (09022015). Collection method: clinical testing. Allele origin: germline.

All of Us Research Program, National Institutes of Health
Classification: Likely benign for Hypertrophic cardiomyopathy. Last evaluated: 2023-12-13. Review status: criteria provided, single submitter. Criteria: ACMG Guidelines, 2015. Collection method: clinical testing. Allele origin: germline. Inheritance: Autosomal dominant inheritance. Observed: 3 variant alleles, 3 heterozygotes.
Comment: This study involves interpretation of variants in research participants for the purpose of population health screening. Participant phenotype was not available at the time of variant classification. Additional details can be found in publication PMID: 35346344, PMCID: PMC8962531

Laboratory for Molecular Medicine, Mass General Brigham Personalized Medicine
Classification: Likely benign. Last evaluated: 2012-09-26. Review status: criteria provided, single submitter. Criteria: LMM Criteria. Collection method: clinical testing. Allele origin: germline. Observed: 1 variant allele.
Comment: Thr201Thr in exon 6B of TPM1: This variant is not expected to have clinical sign ificance because it does not alter an amino acid residue and is not located with in the splice consensus sequence. Thr201Thr in exon 6B of TPM1 (allele frequen cy = n/a)